The following is an entry in ClinVar:

ClinVar aggregate classification (germline): Uncertain significance (1 of 4 stars; one submission).

Submission:

Labcorp Genetics (formerly Invitae), Labcorp
Classification: Uncertain significance. Last evaluated: 2021-04-08. Review status: criteria provided, single submitter. Criteria: Invitae Variant Classification Sherloc (09022015). Collection method: clinical testing. Allele origin: germline.
Comment: In summary, the available evidence is currently insufficient to determine the role of this variant in disease. Therefore, it has been classified as a Variant of Uncertain Significance. Algorithms developed to predict the effect of missense changes on protein structure and function are either unavailable or do not agree on the potential impact of this missense change (SIFT: "Deleterious"; PolyPhen-2: "Possibly Damaging"; Align-GVGD: "Class C0"). This variant has not been reported in the literature in individuals with CAD-related conditions. This variant is not present in population databases (ExAC no frequency). This sequence change replaces glutamine with histidine at codon 961 of the CAD protein (p.Gln961His). The glutamine residue is weakly conserved and there is a small physicochemical difference between glutamine and histidine.

NM_004341.5(CAD):c.2883G>C (p.Gln961His)

Gene: CAD (carbamoyl-phosphate synthetase 2, aspartate transcarbamylase, and dihydroorotase; plus strand). Cytogenetic location: 2p23.3.
Variant type: single nucleotide variant.
Coding change: c.2883G>C on transcript NM_004341.5 (MANE Select); coding-DNA position 2883, G replaced by C.
Protein change: p.Gln961His; replaces glutamine 961 with histidine.
Molecular consequence: missense variant.
Genome position (GRCh38, 1-based): chr2:27,232,685, G>C. VCF-style: chr2-27232685-G-C. GRCh37 (hg19) VCF-style: chr2-27455553-G-C.
Other names: c.2694G>C, p.Gln898His (NM_001306079.2); short protein forms Q961H, Q898H.
Identifiers: ClinVar variation 1512787 (VCV001512787.8), dbSNP rs781391999, ClinGen allele CA346213110.
Genomic context (GRCh38, chr2:27,232,685, plus strand): 5'-CGTCTACCGTATTGGCTCTAGCGTTGAATTTGACTGGTGTGCTGTAGGCTGCATCCAGCA[G>C]CTCCGAAAGGTCAGAGAGTTCATTTTCTTTCCACTTTCCTTGCTATTCTGTTCATCTCTA-3'
Protein context (NP_004332.2, residues 951-971): FDWCAVGCIQ[Gln961His]LRKMGYKTIM